The following is an entry in ClinVar:

ClinVar aggregate classification (germline): Pathogenic (1 of 4 stars; one submission).

Submission:

Labcorp Genetics (formerly Invitae), Labcorp
Classification: Pathogenic. Last evaluated: 2025-02-09. Review status: criteria provided, single submitter. Criteria: Invitae Variant Classification Sherloc (09022015). Collection method: clinical testing. Allele origin: germline.
Comment: This sequence change creates a premature translational stop signal (p.His675Profs*17) in the OCA2 gene. It is expected to result in an absent or disrupted protein product. Loss-of-function variants in OCA2 are known to be pathogenic (PMID: 19865097, 21541274). This variant is not present in population databases (gnomAD no frequency). This variant has not been reported in the literature in individuals affected with OCA2-related conditions. For these reasons, this variant has been classified as Pathogenic.

Literature cited by the submitters: PubMed 19865097; PubMed 21541274.

NM_000275.3(OCA2):c.2024del (p.His675fs)

Gene: OCA2 (OCA2 melanosomal transmembrane protein; minus strand). Cytogenetic location: 15q13.1.
Variant type: Deletion.
Coding change: c.2024del on transcript NM_000275.3 (MANE Select); coding-DNA position 2024, one base deleted (A; older notation c.2024delA).
Protein change: p.His675fs; shifts the reading frame from histidine 675.
Molecular consequence: frameshift variant.
Genome position (GRCh38, 1-based): chr15:27,926,182, T deleted on the plus strand (A on the coding strand, the reverse complement: OCA2 is on the minus strand). VCF-style (leftmost placement, unchanged base first): chr15-27926181-GT-G. GRCh37 (hg19) VCF-style: chr15-28171327-GT-G.
Other names: c.1952del, p.His651fs (NM_001300984.2); short protein forms H651fs, H675fs.
Identifiers: ClinVar variation 4712658 (VCV004712658.1).
Genomic context (GRCh38, chr15:27,926,181, plus strand): 5'-TCTTACCTCCATCAGAACAAAGAGCGCTGCAAAAAACAGAAGGGTTGCCCATTCCACTCT[GT>G]GTAGAATTATCTCAAAATCATGAATATCAGCTAAAATTAGCAACCAGATGGCACCCAGAA-3'